The following is an entry in ClinVar:

ClinVar aggregate classification (germline): Likely benign (0 of 4 stars; one submission).

Conditions:
MDN1-related disorder. Also called: MDN1-related condition.

Allele frequency attached by ClinVar (database versions not stated): ExAC 0.00007; ESP Exome Variant Server 0.00008.
gnomAD v4.1: 150 of 1,613,908 alleles (0.0093%); highest among the groups gnomAD compares: Middle Eastern, 0.33%; no homozygotes.

Submission:

PreventionGenetics, part of Exact Sciences
Classification: Likely benign for MDN1-related condition. Last evaluated: 2019-02-28. Review status: no assertion criteria provided. Collection method: clinical testing. Allele origin: germline.
Comment: This variant is classified as likely benign based on ACMG/AMP sequence variant interpretation guidelines (Richards et al. 2015 PMID: 25741868, with internal and published modifications).

NM_014611.3(MDN1):c.12420G>A (p.Ser4140=)

Genes: MDN1 (midasin AAA ATPase 1; minus strand), MDN1-AS1 (MDN1 antisense RNA 1; plus strand). Cytogenetic location: 6q15.
Variant type: single nucleotide variant.
Coding change: c.12420G>A on transcript NM_014611.3 (MANE Select); coding-DNA position 12420, G replaced by A.
Protein change: p.Ser4140=; no amino-acid change (serine 4140 retained).
Molecular consequence: synonymous variant.
Genome position (GRCh38, 1-based): chr6:89,677,689, C>T on the plus strand (G>A on the coding strand, the complement: MDN1 is on the minus strand). VCF-style: chr6-89677689-C-T. GRCh37 (hg19) VCF-style: chr6-90387408-C-T.
Identifiers: ClinVar variation 3045922 (VCV003045922.2), dbSNP rs372433374, ClinGen allele CA3923051.